The following is an entry in ClinVar:

ClinVar aggregate classification (germline): Pathogenic. Review status: criteria provided, multiple submitters, no conflicts (2 of 4 stars). 4 submissions from 4 submitters: Pathogenic (4). Last evaluated 2025-11-24.

Conditions:
Hereditary cancer-predisposing syndrome. Also called: Hereditary Cancer Syndrome; Tumor predisposition; Hereditary neoplastic syndrome; Neoplastic Syndromes, Hereditary. Identifiers: Orphanet 140162, MedGen C0027672, MeSH D009386, MONDO:0015356.
Multiple endocrine neoplasia, type 1 (MEN1). Also called: MEA I; MEN I; WERMER SYNDROME; Endocrine adenomatosis multiple; MEN 1. Identifiers: Orphanet 652, MedGen C0025267, MeSH D018761, MONDO:0007540, OMIM 131100.

Submissions (4):

Labcorp Genetics (formerly Invitae), Labcorp
Classification: Pathogenic for Multiple endocrine neoplasia, type 1. Last evaluated: 2025-11-24. Review status: criteria provided, single submitter. Criteria: Invitae Variant Classification Sherloc (09022015). Collection method: clinical testing. Allele origin: germline.
Comment: This sequence change affects a donor splice site in intron 3 of the MEN1 gene. It is expected to disrupt RNA splicing. Variants that disrupt the donor or acceptor splice site typically lead to a loss of protein function (PMID: 16199547), and loss-of-function variants in MEN1 are known to be pathogenic (PMID: 12112656, 17853334). This variant is not present in population databases (gnomAD no frequency). Disruption of this splice site has been observed in individuals with multiple endocrine neoplasia type 1 (PMID: 9064485, 9671073, 9709921, 15635078). It has also been observed to segregate with disease in related individuals. This variant is also known as IVS3+1G>T. ClinVar contains an entry for this variant (Variation ID: 200978). Algorithms developed to predict the effect of sequence changes on RNA splicing suggest that this variant may disrupt the consensus splice site. For these reasons, this variant has been classified as Pathogenic.

Ambry Genetics
Classification: Pathogenic for Hereditary cancer-predisposing syndrome. Last evaluated: 2023-10-18. Review status: criteria provided, single submitter. Criteria: Ambry Variant Classification Scheme 2023. Collection method: clinical testing. Allele origin: germline.
Comment: The c.654+1G>T intronic pathogenic mutation results from a G to T substitution one nucleotide after coding exon 2 of the MEN1 gene. This alteration has been identified multiple unrelated families with MEN1 (Teh BT et al. J. Clin. Endocrinol. Metab., 1998 Aug;83:2621-6; Ambry Internal Data). Another variant at this donor site, c.654+1G>A, has also been seen in families with MEN1 and RNA studies showed that the c.654+1G>A variant leads to an alternatively spliced transcript with a 35 amino acid deletion (Canaff L et al. J. Biol. Chem., 2012 Mar;287:8584-97). In addition, functional studies conducted by this same group showed that lymphoblastoid cells expressing the resulting mutant protein showed increased cell proliferation and had a defective TGF-&beta; response. This alteration was previously identified in an Australian MEN1 family (Teh BT et al. J. Clin. Endocrinol. Metab. 1998 Aug;83:2621-6). Alterations that disrupt the canonical splice site are expected to cause aberrant splicing, resulting in an abnormal protein or a transcript that is subject to nonsense-mediated mRNA decay. As such, this alteration is classified as a disease-causing mutation.

Mendelics
Classification: Pathogenic for Multiple endocrine neoplasia, type 1. Last evaluated: 2018-07-02. Review status: criteria provided, single submitter. Criteria: Mendelics Assertion Criteria 2017. Collection method: clinical testing. Allele origin: unknown.

GeneDx
Classification: Pathogenic. Last evaluated: 2016-09-07. Review status: criteria provided, single submitter. Criteria: GeneDx Variant Classification (06012015). Collection method: clinical testing. Allele origin: germline. Affected: yes.
Comment: The c.654+1 G>T splice site variant in the MEN1 gene has been previously reported in association with multiple endocrine neoplasia type 1 (MEN1) (for examples, see Teh et al., 1998a; Teh et al., 1998b; Cardinal et al., 2005). This variant destroys the canonical splice donor site in intron 3, and is predicted to cause abnormal gene splicing, either leading to an abnormal message that is subject to nonsense-mediated mRNA decay, or to an abnormal protein product if the message is used for protein translation. Based on currently available evidence, we consider c.654+1G>T to be pathogenic.

Literature cited by the submitters: PubMed 16199547 (cited by Labcorp Genetics (formerly Invitae), Labcorp); PubMed 12112656 (cited by Labcorp Genetics (formerly Invitae), Labcorp); PubMed 17853334 (cited by Labcorp Genetics (formerly Invitae), Labcorp); PubMed 9064485 (cited by Labcorp Genetics (formerly Invitae), Labcorp); PubMed 9671073 (cited by Labcorp Genetics (formerly Invitae), Labcorp); PubMed 9709921 (cited by Labcorp Genetics (formerly Invitae), Labcorp and Ambry Genetics); PubMed 15635078 (cited by Labcorp Genetics (formerly Invitae), Labcorp); PubMed 21678021 (cited by Ambry Genetics); PubMed 22275377 (cited by Ambry Genetics).

NM_001370259.2(MEN1):c.654+1G>T

Gene: MEN1 (menin 1; minus strand). Cytogenetic location: 11q13.1.
Variant type: single nucleotide variant.
Coding change: c.654+1G>T on transcript NM_001370259.2 (MANE Select); the canonical splice donor site of the intron after coding-DNA position 654, G replaced by T.
Molecular consequence: splice donor variant. On other transcripts: intron variant (5).
Genome position (GRCh38, 1-based): chr11:64,807,890, C>A on the plus strand (G>T on the coding strand, the complement: MEN1 is on the minus strand). VCF-style: chr11-64807890-C-A. GRCh37 (hg19) VCF-style: chr11-64575362-C-A.
Other names: c.669+1G>T (NM_130804.3, NM_130803.3, NM_000244.4 and 5 more transcripts); c.549+106G>T (NM_001407148.1, NM_001407149.1, NM_001407151.1 and 2 more transcripts); c.654+1G>T (NM_130799.3, NM_001407144.1, NM_001370260.2 and 7 more transcripts).
Identifiers: ClinVar variation 200978 (VCV000200978.14), dbSNP rs794728622, ClinGen allele CA009560.